The following is an entry in ClinVar:

NM_000059.4(BRCA2):c.5700A>C (p.Ser1900=)

Gene: BRCA2 (BRCA2 DNA repair associated; plus strand). Cytogenetic location: 13q13.1.
Variant type: single nucleotide variant.
Coding change: c.5700A>C on transcript NM_000059.4 (MANE Select); coding-DNA position 5700, A replaced by C.
Protein change: p.Ser1900=; no amino-acid change (serine 1900 retained).
Molecular consequence: synonymous variant.
Genome position (GRCh38, 1-based): chr13:32,340,055, A>C. VCF-style: chr13-32340055-A-C. GRCh37 (hg19) VCF-style: chr13-32914192-A-C.
Identifiers: ClinVar variation 427426 (VCV000427426.5), dbSNP rs730881591, ClinGen allele CA6940898.

ClinVar aggregate classification (germline): Likely benign. Review status: reviewed by expert panel (3 of 4 stars). 2 submissions from 2 submitters: Likely benign (1). 1 of the submissions does not count toward it. Last evaluated 2017-06-29.

Conditions:
Hereditary cancer-predisposing syndrome. Also called: Hereditary neoplastic syndrome; Hereditary Cancer Syndrome; Neoplastic Syndromes, Hereditary; Tumor predisposition. Identifiers: Orphanet 140162, MedGen C0027672, MeSH D009386, MONDO:0015356.
Breast-ovarian cancer, familial, susceptibility to, 2 (BROVCA2). Also called: BRCA2 Hereditary Breast and Ovarian Cancer. Identifiers: Orphanet 145, MedGen C2675520, MONDO:0012933, OMIM 612555. Disease mechanism: loss of function.

gnomAD v4.1: 1 of 1,613,806 alleles (0.000062%); highest among the groups gnomAD compares: South Asian, 0.0011%; no homozygotes.

Submissions (2):

Evidence-based Network for the Interpretation of Germline Mutant Alleles (ENIGMA)
Classification: Likely benign for Breast-ovarian cancer, familial, susceptibility to, 2. Last evaluated: 2017-06-29. Review status: reviewed by expert panel. Criteria: ENIGMA BRCA1/2 Classification Criteria (2017-06-29). Collection method: curation. Allele origin: germline.
Comment: Synonymous substitution variant, with low bioinformatic likelihood to result in a splicing aberration (Splicing prior probability 0.02).

Color Diagnostics, LLC DBA Color Health
Classification: Likely benign for Hereditary cancer-predisposing syndrome. Last evaluated: 2021-04-21. Review status: criteria provided, single submitter. Criteria: ACMG Guidelines, 2015. Collection method: clinical testing. Allele origin: germline. Not counted in ClinVar's aggregate classification.